The following is an entry in ClinVar:

NM_001854.4(COL11A1):c.2197-240C>T

Gene: COL11A1 (collagen type XI alpha 1 chain; minus strand). Cytogenetic location: 1p21.1.
Variant type: single nucleotide variant.
Coding change: c.2197-240C>T on transcript NM_001854.4 (MANE Select); 240 bases into the intron before coding-DNA position 2197, C replaced by T.
Molecular consequence: intron variant.
Genome position (GRCh38, 1-based): chr1:102,997,364, G>A on the plus strand (C>T on the coding strand, the complement: COL11A1 is on the minus strand). VCF-style: chr1-102997364-G-A. GRCh37 (hg19) VCF-style: chr1-103462920-G-A.
Other names: c.2080-240C>T (NM_001190709.2); c.2233-240C>T (NM_080629.3); c.1849-240C>T (NM_080630.4).
Identifiers: ClinVar variation 677962 (VCV000677962.1), dbSNP rs140604412, ClinGen allele CA27723936.

ClinVar aggregate classification (germline): Likely benign (1 of 4 stars; one submission).

Allele frequency attached by ClinVar (database versions not stated): 1000 Genomes Project 0.01597; 1000 Genomes Project 30x 0.01686; TOPMed 0.02077; gnomAD 0.02110 and 0.02151.
gnomAD v4.1: 3,204 of 151,968 alleles (2.1%); highest among the groups gnomAD compares: Middle Eastern, 7.1%; 49 homozygotes.

Submission:

GeneDx
Classification: Likely benign. Last evaluated: 2018-06-14. Review status: criteria provided, single submitter. Criteria: GeneDx Variant Classification (06012015). Collection method: clinical testing. Allele origin: germline. Affected: yes.
Comment: This variant is considered likely benign or benign based on one or more of the following criteria: it is a conservative change, it occurs at a poorly conserved position in the protein, it is predicted to be benign by multiple in silico algorithms, and/or has population frequency not consistent with disease.